The following is an entry in ClinVar:

ClinVar aggregate classification (germline): Uncertain significance. Review status: criteria provided, multiple submitters, no conflicts (2 of 4 stars). 2 submissions from 2 submitters: Uncertain significance (2). Last evaluated 2026-03-17.

Conditions:
Hereditary cancer-predisposing syndrome. Also called: Tumor predisposition; Neoplastic Syndromes, Hereditary; Hereditary neoplastic syndrome; Hereditary Cancer Syndrome. Identifiers: Orphanet 140162, MedGen C0027672, MeSH D009386, MONDO:0015356.

Allele frequency attached by ClinVar (database versions not stated): ExAC 0.00001; gnomAD exomes 0.00001 and below 0.00001.

Submissions (2):

Ambry Genetics
Classification: Uncertain significance for Hereditary cancer-predisposing syndrome. Last evaluated: 2026-03-17. Review status: criteria provided, single submitter. Criteria: Ambry Variant Classification Scheme 2023. Collection method: clinical testing. Allele origin: germline.

Labcorp Genetics (formerly Invitae), Labcorp
Classification: Uncertain significance. Last evaluated: 2021-12-24. Review status: criteria provided, single submitter. Criteria: Invitae Variant Classification Sherloc (09022015). Collection method: clinical testing. Allele origin: germline.
Comment: This sequence change replaces valine, which is neutral and non-polar, with isoleucine, which is neutral and non-polar, at codon 399 of the CTNNA1 protein (p.Val399Ile). This variant is present in population databases (rs766086208, gnomAD 0.007%). In summary, the available evidence is currently insufficient to determine the role of this variant in disease. Therefore, it has been classified as a Variant of Uncertain Significance. Algorithms developed to predict the effect of missense changes on protein structure and function are either unavailable or do not agree on the potential impact of this missense change (SIFT: "Deleterious"; PolyPhen-2: "Benign"; Align-GVGD: "Class C0"). ClinVar contains an entry for this variant (Variation ID: 851450). This variant has not been reported in the literature in individuals affected with CTNNA1-related conditions.

NM_001903.5(CTNNA1):c.1195G>A (p.Val399Ile)

Gene: CTNNA1 (catenin alpha 1; plus strand). Cytogenetic location: 5q31.2.
Variant type: single nucleotide variant.
Coding change: c.1195G>A on transcript NM_001903.5 (MANE Select); coding-DNA position 1195, G replaced by A.
Protein change: p.Val399Ile; replaces valine 399 with isoleucine.
Molecular consequence: missense variant. On other transcripts: 5 prime UTR variant (5), intron variant (2).
Genome position (GRCh38, 1-based): chr5:138,887,541, G>A. VCF-style: chr5-138887541-G-A. GRCh37 (hg19) VCF-style: chr5-138223230-G-A.
Other names: c.1195G>A, p.Val399Ile (NM_001290307.3, NM_001323982.2, NM_001323983.1 and 3 more transcripts); c.886G>A, p.Val296Ile (NM_001290309.3); c.826G>A, p.Val276Ile (NM_001290310.3); c.85G>A, p.Val29Ile (NM_001290312.1, NM_001323987.1, NM_001323988.1 and 18 more transcripts); c.-313G>A (NM_001324006.1, NM_001324007.1, NM_001324008.1 and 1 more transcripts); c.-188G>A (NM_001324013.1); c.-58+11944G>A (NM_001324012.1); c.-61+11944G>A (NM_001324010.1); short protein forms V276I, V29I, V399I, V296I.
Identifiers: ClinVar variation 851450 (VCV000851450.12), dbSNP rs766086208, ClinGen allele CA3431882.